The following is an entry in ClinVar:

ClinVar aggregate classification (germline): Uncertain significance (1 of 4 stars; one submission).

Submission:

Labcorp Genetics (formerly Invitae), Labcorp
Classification: Uncertain significance. Last evaluated: 2022-07-26. Review status: criteria provided, single submitter. Criteria: Invitae Variant Classification Sherloc (09022015). Collection method: clinical testing. Allele origin: germline.
Comment: In summary, the available evidence is currently insufficient to determine the role of this variant in disease. Therefore, it has been classified as a Variant of Uncertain Significance. Experimental studies and prediction algorithms are not available or were not evaluated, and the functional significance of this variant is currently unknown. ClinVar contains an entry for this variant (Variation ID: 1414848). This variant has not been reported in the literature in individuals affected with RIMS1-related conditions. This variant is not present in population databases (gnomAD no frequency). This variant, c.1256_1267dup, results in the insertion of 4 amino acid(s) of the RIMS1 protein (p.Ala419_Pro422dup), but otherwise preserves the integrity of the reading frame.

NM_014989.7(RIMS1):c.1256_1267dup (p.Ala419_Pro422dup)

Gene: RIMS1 (regulating synaptic membrane exocytosis 1; plus strand). Cytogenetic location: 6q13.
Variant type: Duplication.
Coding change: c.1256_1267dup on transcript NM_014989.7 (MANE Select); coding-DNA positions 1256 to 1267, 12 bases duplicated (CCTCGCCGCCGG).
Protein change: p.Ala419_Pro422dup.
Molecular consequence: inframe insertion.
Genome position (GRCh38, 1-based): chr6:72,182,727-72,182,738, CCTCGCCGCCGG duplicated; duplicating any 12 consecutive bases within chr6:72,182,725-72,182,738 gives the same sequence; the c. name uses the placement nearest the transcript's 3' end. VCF-style (leftmost placement, unchanged base first): chr6-72182724-G-GGGCCTCGCCGCC. GRCh37 (hg19) VCF-style: chr6-72892427-G-GGGCCTCGCCGCC.
Identifiers: ClinVar variation 1414848 (VCV001414848.6), dbSNP rs2153970468, ClinGen allele CA2573141101.